The following is an entry in ClinVar:

NM_004360.5(CDH1):c.1166C>T (p.Ala389Val)

Gene: CDH1 (cadherin 1; plus strand). Cytogenetic location: 16q22.1.
Variant type: single nucleotide variant.
Coding change: c.1166C>T on transcript NM_004360.5 (MANE Select); coding-DNA position 1166, C replaced by T.
Protein change: p.Ala389Val; replaces alanine 389 with valine.
Molecular consequence: missense variant. On other transcripts: 5 prime UTR variant (2), intron variant (1).
Genome position (GRCh38, 1-based): chr16:68,813,341, C>T. VCF-style: chr16-68813341-C-T. GRCh37 (hg19) VCF-style: chr16-68847244-C-T.
Other names: c.-450C>T (NM_001317185.2); c.-654C>T (NM_001317186.2); c.1166C>T (LRG_301t1); c.1137+1078C>T (NM_001317184.2); short protein forms A389V.
Identifiers: ClinVar variation 463700 (VCV000463700.12), dbSNP rs1555515869, ClinGen allele CA396461130.
Genomic context (GRCh38, chr16:68,813,341, plus strand): 5'-CTTTGTAAATGACACATCTCTTTGCTCTGCAGTACAAGGGTCAGGTGCCTGAGAACGAGG[C>T]TAACGTCGTAATCACCACACTGAAAGTGACTGATGCTGATGCCCCCAATACCCCAGCGTG-3'
Protein context (NP_004351.1, residues 379-399): TYKGQVPENE[Ala389Val]NVVITTLKVT

ClinVar aggregate classification (germline): Conflicting classifications of pathogenicity. Review status: criteria provided, conflicting classifications (1 of 4 stars). 2 submissions from 2 submitters: Uncertain significance (1); Likely benign (1). Last evaluated 2026-07-07.

Conditions:
Hereditary diffuse gastric adenocarcinoma (HDGC). Also called: DIFFUSE GASTRIC AND LOBULAR BREAST CANCER SYNDROME. Identifiers: Orphanet 26106, MedGen C1708349, MONDO:0007648, OMIM 137215.
Hereditary cancer-predisposing syndrome. Also called: Neoplastic Syndromes, Hereditary; Hereditary neoplastic syndrome; Hereditary Cancer Syndrome; Tumor predisposition. Identifiers: Orphanet 140162, MedGen C0027672, MeSH D009386, MONDO:0015356.

Allele frequency attached by ClinVar (database versions not stated): gnomAD exomes below 0.00001.
gnomAD v4.1: 1 of 1,614,174 alleles (0.000062%); highest among the groups gnomAD compares: Non-Finnish European, 0.000085%; no homozygotes.

Submissions (2):

Ambry Genetics
Classification: Likely benign for Hereditary cancer-predisposing syndrome. Last evaluated: 2026-07-07. Review status: criteria provided, single submitter. Criteria: Ambry Variant Classification Scheme 2023. Collection method: clinical testing. Allele origin: germline.

Labcorp Genetics (formerly Invitae), Labcorp
Classification: Uncertain significance for Hereditary diffuse gastric adenocarcinoma. Last evaluated: 2025-03-22. Review status: criteria provided, single submitter. Criteria: Invitae Variant Classification Sherloc (09022015). Collection method: clinical testing. Allele origin: germline.
Comment: This sequence change replaces alanine, which is neutral and non-polar, with valine, which is neutral and non-polar, at codon 389 of the CDH1 protein (p.Ala389Val). This variant is not present in population databases (gnomAD no frequency). This variant has not been reported in the literature in individuals affected with CDH1-related conditions. ClinVar contains an entry for this variant (Variation ID: 463700). An algorithm developed to predict the effect of missense changes on protein structure and function outputs the following: PolyPhen-2: "Benign". The valine amino acid residue is found in multiple mammalian species, which suggests that this missense change does not adversely affect protein function. In summary, the available evidence is currently insufficient to determine the role of this variant in disease. Therefore, it has been classified as a Variant of Uncertain Significance.